The following is an entry in ClinVar:

NM_001100.4(ACTA1):c.454+15C>T

Gene: ACTA1 (actin alpha 1, skeletal muscle; minus strand). Cytogenetic location: 1q42.13.
Variant type: single nucleotide variant.
Coding change: c.454+15C>T on transcript NM_001100.4 (MANE Select); 15 bases into the intron after coding-DNA position 454, C replaced by T.
Molecular consequence: intron variant.
Genome position (GRCh38, 1-based): chr1:229,432,541, G>A on the plus strand (C>T on the coding strand, the complement: ACTA1 is on the minus strand). VCF-style: chr1-229432541-G-A. GRCh37 (hg19) VCF-style: chr1-229568288-G-A.
Identifiers: ClinVar variation 682261 (VCV000682261.16), dbSNP rs201388631, ClinGen allele CA1442872.

ClinVar aggregate classification (germline): Benign/Likely benign. Review status: criteria provided, multiple submitters, no conflicts (2 of 4 stars). 3 submissions from 3 submitters: Benign (1); Likely benign (2). Last evaluated 2025-12-20.

Conditions:
Actin accumulation myopathy (CMYO2A). Also called: CONGENITAL MYOPATHY 2A, TYPICAL, AUTOSOMAL DOMINANT; Nemaline myopathy type 3; Myopathy, actin, congenital, with excess of thin myofilaments; Myopathy, actin, congenital, with cores; Nemaline myopathy 3, with intranuclear rods. Identifiers: Orphanet 98904, MedGen C3711389, MONDO:0008070, OMIM 161800.

Allele frequency attached by ClinVar (database versions not stated): 1000 Genomes Project 0.00060; 1000 Genomes Project 30x 0.00062; ESP Exome Variant Server 0.00062; TOPMed 0.00094.
gnomAD v4.1: 251 of 1,599,268 alleles (0.016%); highest among the groups gnomAD compares: African/African-American, 0.27%; no homozygotes.

Submissions (3):

Labcorp Genetics (formerly Invitae), Labcorp
Classification: Benign for Actin accumulation myopathy. Last evaluated: 2025-12-20. Review status: criteria provided, single submitter. Criteria: Invitae Variant Classification Sherloc (09022015). Collection method: clinical testing. Allele origin: germline.

GeneDx
Classification: Likely benign. Last evaluated: 2018-04-24. Review status: criteria provided, single submitter. Criteria: GeneDx Variant Classification (06012015). Collection method: clinical testing. Allele origin: germline. Affected: yes.
Comment: This variant is considered likely benign or benign based on one or more of the following criteria: it is a conservative change, it occurs at a poorly conserved position in the protein, it is predicted to be benign by multiple in silico algorithms, and/or has population frequency not consistent with disease.

Breakthrough Genomics
Classification: Likely benign. Review status: criteria provided, single submitter. Criteria: ACMG Guidelines, 2015. Collection method: not provided. Allele origin: germline. Inheritance: Autosomal recessive inheritance. Affected: yes.